The following is an entry in ClinVar:

NM_001382391.1(CSPP1):c.265G>A (p.Glu89Lys)

Gene: CSPP1 (centrosome and spindle pole associated protein 1; plus strand). Cytogenetic location: 8q13.1.
Variant type: single nucleotide variant.
Coding change: c.265G>A on transcript NM_001382391.1 (MANE Select); coding-DNA position 265, G replaced by A.
Protein change: p.Glu89Lys; replaces glutamic acid 89 with lysine.
Molecular consequence: missense variant. On other transcripts: 5 prime UTR variant (1).
Genome position (GRCh38, 1-based): chr8:67,086,072, G>A. VCF-style: chr8-67086072-G-A. GRCh37 (hg19) VCF-style: chr8-67998307-G-A.
Other names: c.-510G>A (NM_001291339.2); c.265G>A, p.Glu89Lys (NM_001363131.2, NM_001363132.2, NM_001363133.2); c.373G>A, p.Glu125Lys (NM_001364869.1, NM_001364870.1, NM_024790.7); short protein forms E125K, E89K.
Identifiers: ClinVar variation 3357799 (VCV003357799.1).

ClinVar aggregate classification (germline): Uncertain significance (0 of 4 stars; one submission).

Conditions:
CSPP1-related disorder. Also called: CSPP1-related condition.

Submission:

PreventionGenetics, part of Exact Sciences
Classification: Uncertain significance for CSPP1-related condition. Last evaluated: 2024-03-28. Review status: no assertion criteria provided. Collection method: clinical testing. Allele origin: germline.
Comment: The CSPP1 c.373G>A variant is predicted to result in the amino acid substitution p.Glu125Lys. To our knowledge, this variant has not been reported in the literature or in a large population database, indicating this variant is rare. At this time, the clinical significance of this variant is uncertain due to the absence of conclusive functional and genetic evidence.